The following is an entry in ClinVar:

ClinVar aggregate classification (germline): Uncertain significance (1 of 4 stars; one submission).

Conditions:
Muscular dystrophy-dystroglycanopathy (congenital with brain and eye anomalies), type a, 12 (MDDGA12). Also called: WALKER-WARBURG SYNDROME OR MUSCLE-EYE-BRAIN DISEASE, POMK-RELATED. Identifiers: Orphanet 899, MedGen C3808964, MONDO:0014101, OMIM 615249.
Limb-girdle muscular dystrophy due to POMK deficiency. Also called: Muscular dystrophy-dystroglycanopathy (limb-girdle), type c, 12; MUSCULAR DYSTROPHY-DYSTROGLYCANOPATHY, LIMB-GIRDLE, POMK-RELATED. Identifiers: Orphanet 445110, MedGen C4015184, MONDO:0014489, OMIM 616094.

Submission:

Labcorp Genetics (formerly Invitae), Labcorp
Classification: Uncertain significance for Muscular dystrophy-dystroglycanopathy (congenital with brain and eye anomalies), type a, 12; Limb-girdle muscular dystrophy due to POMK deficiency. Last evaluated: 2022-07-12. Review status: criteria provided, single submitter. Criteria: Invitae Variant Classification Sherloc (09022015). Collection method: clinical testing. Allele origin: germline.
Comment: This sequence change replaces leucine, which is neutral and non-polar, with valine, which is neutral and non-polar, at codon 212 of the POMK protein (p.Leu212Val). This variant is not present in population databases (gnomAD no frequency). This variant has not been reported in the literature in individuals affected with POMK-related conditions. Algorithms developed to predict the effect of missense changes on protein structure and function (SIFT, PolyPhen-2, Align-GVGD) all suggest that this variant is likely to be disruptive. In summary, the available evidence is currently insufficient to determine the role of this variant in disease. Therefore, it has been classified as a Variant of Uncertain Significance.

NM_032237.5(POMK):c.634C>G (p.Leu212Val)

Gene: POMK (protein O-mannose kinase; plus strand). Cytogenetic location: 8p11.21.
Variant type: single nucleotide variant.
Coding change: c.634C>G on transcript NM_032237.5 (MANE Select); coding-DNA position 634, C replaced by G.
Protein change: p.Leu212Val; replaces leucine 212 with valine.
Molecular consequence: missense variant.
Genome position (GRCh38, 1-based): chr8:43,122,458, C>G. VCF-style: chr8-43122458-C-G. GRCh37 (hg19) VCF-style: chr8-42977601-C-G.
Other names: c.634C>G, p.Leu212Val (NM_001277971.2); short protein forms L212V.
Identifiers: ClinVar variation 2038150 (VCV002038150.1), dbSNP rs576329509, ClinGen allele CA371122331.